The following is an entry in ClinVar:

NM_001112741.2(KCNC1):c.1741G>T (p.Ala581Ser)

Gene: KCNC1 (potassium voltage-gated channel subfamily C member 1; plus strand). Cytogenetic location: 11p15.1.
Variant type: single nucleotide variant.
Coding change: c.1741G>T on transcript NM_001112741.2 (MANE Select); coding-DNA position 1741, G replaced by T.
Protein change: p.Ala581Ser; replaces alanine 581 with serine.
Molecular consequence: missense variant.
Genome position (GRCh38, 1-based): chr11:17,781,717, G>T. VCF-style: chr11-17781717-G-T. GRCh37 (hg19) VCF-style: chr11-17803264-G-T.
Other names: short protein forms A581S.
Identifiers: ClinVar variation 1779210 (VCV001779210.2), dbSNP rs2497823118, ClinGen allele CA379815865.

ClinVar aggregate classification (germline): Uncertain significance (1 of 4 stars; one submission).

Conditions:
Inborn genetic diseases. Identifiers: MedGen C0950123, MeSH D030342.

Submission:

Ambry Genetics
Classification: Uncertain significance for Inborn genetic diseases. Last evaluated: 2020-02-21. Review status: criteria provided, single submitter. Criteria: Ambry Variant Classification Scheme 2023. Collection method: clinical testing. Allele origin: germline.
Comment: The p.A581S variant (also known as c.1741G>T), located in coding exon 4 of the KCNC1 gene, results from a G to T substitution at nucleotide position 1741. The alanine at codon 581 is replaced by serine, an amino acid with similar properties. This amino acid position is highly conserved in available vertebrate species. In addition, the in silico prediction for this alteration is inconclusive. Since supporting evidence is limited at this time, the clinical significance of this alteration remains unclear.